The following is an entry in ClinVar:

ClinVar aggregate classification (germline): Conflicting classifications of pathogenicity. Review status: criteria provided, conflicting classifications (1 of 4 stars). 5 submissions from 5 submitters: Uncertain significance (1); Benign (1); Likely benign (3). Last evaluated 2025-12-26.

Conditions:
Wolfram syndrome 1 (WFS1). Identifiers: Orphanet 3463, MedGen C4551693, MONDO:0009101, OMIM 222300.

Allele frequency attached by ClinVar (database versions not stated): gnomAD exomes 0.00002 and 0.00003; ExAC 0.00004; gnomAD 0.00005 and 0.00006; TOPMed 0.00006; ESP Exome Variant Server 0.00015; 1000 Genomes Project 30x 0.00016; 1000 Genomes Project 0.00020.
gnomAD v4.1: 38 of 1,612,728 alleles (0.0024%); highest among the groups gnomAD compares: African/African-American, 0.021%; no homozygotes.

Submissions (5):

Labcorp Genetics (formerly Invitae), Labcorp
Classification: Likely benign. Last evaluated: 2025-12-26. Review status: criteria provided, single submitter. Criteria: Invitae Variant Classification Sherloc (09022015). Collection method: clinical testing. Allele origin: germline.

Blueprint Genetics
Classification: Likely benign. Last evaluated: 2024-04-03. Review status: criteria provided, single submitter. Criteria: ACMG Guidelines, 2015. Collection method: clinical testing. Allele origin: germline.

GeneDx
Classification: Likely benign. Last evaluated: 2021-03-09. Review status: criteria provided, single submitter. Criteria: GeneDx Variant Classification Process June 2021. Collection method: clinical testing. Allele origin: germline. Affected: yes.

Eurofins Ntd Llc (ga)
Classification: Uncertain significance. Last evaluated: 2015-03-20. Review status: criteria provided, single submitter. Criteria: EGL Classification Definitions 2015. Collection method: clinical testing. Allele origin: germline. Observed: 1 variant allele, 1 heterozygote.

Clinical Genomics, Uppaluri K&H Personalized Medicine Clinic
Classification: Benign for Wolfram syndrome 1. Review status: criteria provided, single submitter. Criteria: K & H Uppaluri Personalized Medicine Clinic Variant Classification & Assertion Criteria_Updated V.1. Collection method: research. Allele origin: unknown. Inheritance: Autosomal recessive inheritance.
Comment: Potent mutations in WFS1 gene are associated with Wolfram's syndrome, an autosomal recessive condition, which cause diabetes mellitus, diabetes insipidus, deafness and optic atrophy. However no sufficient evidence is found to ascertain the role of this particular variant rs140286718 in Wolfram's syndrome yet.

Literature cited by the submitters: PubMed 20738327 (cited by Clinical Genomics, Uppaluri K&H Personalized Medicine Clinic); PubMed 33879153 (cited by Clinical Genomics, Uppaluri K&H Personalized Medicine Clinic); PubMed 12955714 (cited by Clinical Genomics, Uppaluri K&H Personalized Medicine Clinic); PubMed 18060660 (cited by Clinical Genomics, Uppaluri K&H Personalized Medicine Clinic); PubMed 20301750 (cited by Clinical Genomics, Uppaluri K&H Personalized Medicine Clinic); PubMed 17603484 (cited by Clinical Genomics, Uppaluri K&H Personalized Medicine Clinic).

NM_006005.3(WFS1):c.2181C>T (p.Ile727=)

Gene: WFS1 (wolframin ER transmembrane glycoprotein; plus strand). Cytogenetic location: 4p16.1.
Variant type: single nucleotide variant.
Coding change: c.2181C>T on transcript NM_006005.3 (MANE Select); coding-DNA position 2181, C replaced by T.
Protein change: p.Ile727=; no amino-acid change (isoleucine 727 retained).
Molecular consequence: synonymous variant.
Genome position (GRCh38, 1-based): chr4:6,301,976, C>T. VCF-style: chr4-6301976-C-T. GRCh37 (hg19) VCF-style: chr4-6303703-C-T.
Other names: c.2181C>T, p.Ile727= (NM_001145853.1).
Identifiers: ClinVar variation 198837 (VCV000198837.17), dbSNP rs140286718, ClinGen allele CA247677.
Genomic context (GRCh38, chr4:6,301,976, plus strand): 5'-CCGCGTGACTGACATCGACAACAGCGCCGAGTCTGCCATCAACATGCTCCCGTTCTTCAT[C>T]GGCGACTGGATGCGCTGCCTCTACGGCGAGGCCTACCCTGCCTGCAGCCCTGGCAACACC-3'
Protein context (NP_005996.2, residues 717-737): ESAINMLPFF[Ile727=]GDWMRCLYGE